The following is an entry in ClinVar:

ClinVar aggregate classification (germline): Benign/Likely benign. Review status: criteria provided, multiple submitters, no conflicts (2 of 4 stars). 8 submissions from 8 submitters: Benign (3); Likely benign (5). Last evaluated 2026-01-26.

Conditions:
Autosomal recessive ataxia, Beauce type. Also called: ATAXIA, RECESSIVE, OF BEAUCE; Spinocerebellar ataxia, autosomal recessive 8; SYNE1-Related Autosomal Recessive Cerebellar Ataxia; SYNE1 Deficiency. Identifiers: Orphanet 88644, MedGen C1853116, MONDO:0012549, OMIM 610743.
Emery-Dreifuss muscular dystrophy 4, autosomal dominant (EDMD4). Also called: EMERY-DREIFUSS MUSCULAR DYSTROPHY 4 WITH VARIABLE FEATURES. Identifiers: Orphanet 261, MedGen C2751807, MONDO:0013071, OMIM 612998.

Allele frequency attached by ClinVar (database versions not stated): gnomAD exomes 0.00013 and 0.00035; ExAC 0.00049; 1000 Genomes Project 30x 0.00109; 1000 Genomes Project 0.00120; gnomAD 0.00155 and 0.00171; TOPMed 0.00172; ESP Exome Variant Server 0.00192.
gnomAD v4.1: 428 of 1,614,180 alleles (0.027%); highest among the groups gnomAD compares: African/African-American, 0.52%; 1 homozygote.

Submissions (8):

Labcorp Genetics (formerly Invitae), Labcorp
Classification: Benign for Emery-Dreifuss muscular dystrophy 4, autosomal dominant; Autosomal recessive ataxia, Beauce type. Last evaluated: 2026-01-26. Review status: criteria provided, single submitter. Criteria: Invitae Variant Classification Sherloc (09022015). Collection method: clinical testing. Allele origin: germline.

Mayo Clinic Laboratories, Mayo Clinic
Classification: Benign. Last evaluated: 2025-03-28. Review status: criteria provided, single submitter. Criteria: ACMG Guidelines, 2015. Collection method: clinical testing. Allele origin: germline. Observed: 2 variant alleles.
Comment: BA1, BP4, BP7

Blueprint Genetics
Classification: Likely benign. Last evaluated: 2023-12-05. Review status: criteria provided, single submitter. Criteria: ACMG Guidelines, 2015. Collection method: clinical testing. Allele origin: germline.

CeGaT Center for Human Genetics Tuebingen
Classification: Likely benign. Last evaluated: 2023-10-01. Review status: criteria provided, single submitter. Criteria: CeGaT Center For Human Genetics Tuebingen Variant Classification Criteria Version 2. Collection method: clinical testing. Allele origin: germline. Affected: yes. Observed: 1 variant allele.
Comment: SYNE1: BP4, BP7

GeneDx
Classification: Likely benign. Last evaluated: 2019-03-31. Review status: criteria provided, single submitter. Criteria: GeneDx Variant Classification Process June 2021. Collection method: clinical testing. Allele origin: germline. Affected: yes.

Athena Diagnostics
Classification: Benign. Last evaluated: 2017-09-18. Review status: criteria provided, single submitter. Criteria: Athena Diagnostics Criteria. Collection method: clinical testing. Allele origin: germline.

Eurofins Ntd Llc (ga)
Classification: Likely benign. Last evaluated: 2015-10-02. Review status: criteria provided, single submitter. Criteria: EGL Classification Definitions 2015. Collection method: clinical testing. Allele origin: germline. Observed: 1 variant allele, 1 heterozygote.

Breakthrough Genomics
Classification: Likely benign. Review status: criteria provided, single submitter. Criteria: ACMG Guidelines, 2015. Collection method: not provided. Allele origin: germline. Inheritance: Autosomal recessive inheritance. Affected: yes.

NM_182961.4(SYNE1):c.20292T>C (p.Asp6764=)

Gene: SYNE1 (spectrin repeat containing nuclear envelope protein 1; minus strand). Cytogenetic location: 6q25.2.
Variant type: single nucleotide variant.
Coding change: c.20292T>C on transcript NM_182961.4 (MANE Select); coding-DNA position 20292, T replaced by C.
Protein change: p.Asp6764=; no amino-acid change (aspartic acid 6764 retained).
Molecular consequence: synonymous variant.
Genome position (GRCh38, 1-based): chr6:152,236,211, A>G on the plus strand (T>C on the coding strand, the complement: SYNE1 is on the minus strand). VCF-style: chr6-152236211-A-G. GRCh37 (hg19) VCF-style: chr6-152557346-A-G.
Other names: p.Asp6693=; c.20079T>C, p.Asp6693= (NM_033071.5).
Identifiers: ClinVar variation 283708 (VCV000283708.44), dbSNP rs73619386, ClinGen allele CA4054454.